The following is an entry in ClinVar:

NM_000038.6(APC):c.834+1808G>C

Gene: APC (APC regulator of WNT signaling pathway; plus strand). Cytogenetic location: 5q22.2.
Variant type: single nucleotide variant.
Coding change: c.834+1808G>C on transcript NM_000038.6 (MANE Select); 1808 bases into the intron after coding-DNA position 834, G replaced by C.
Molecular consequence: intron variant.
Genome position (GRCh38, 1-based): chr5:112,803,191, G>C. VCF-style: chr5-112803191-G-C. GRCh37 (hg19) VCF-style: chr5-112138888-G-C.
Other names: c.834+1808G>C (NM_001354895.2, NM_001127510.3, NM_001354896.2 and 1 more transcripts); c.864+1808G>C (NM_001354897.2, NM_001354902.2); c.780+1808G>C (NM_001127511.3); c.759+1808G>C (NM_001354898.2, NM_001354904.2); c.-202+1808G>C (NM_001354906.2); c.750+1808G>C (NM_001354899.2); c.657+1808G>C (NM_001354900.2, NM_001354901.2, NM_001354905.2).
Identifiers: ClinVar variation 83047 (VCV000083047.2), dbSNP rs2952615, ClinGen allele CA014619.

ClinVar aggregate classification (germline): other (0 of 4 stars; one submission).

Conditions:
Familial colorectal cancer. Identifiers: MedGen CN280943, MONDO:0023113. Disease mechanism: loss of function.

Allele frequency attached by ClinVar (database versions not stated): gnomAD 0.59236 and 0.60197; TOPMed 0.61015; 1000 Genomes Project 30x 0.65959; 1000 Genomes Project 0.66534.
gnomAD v4.1: 91,471 of 151,890 alleles (60%); highest among the groups gnomAD compares: East Asian, 82%; 28,029 homozygotes.

Submission:

Systems Biology Platform Zhejiang California International NanoSystems Institute
Classification: other for Familial colorectal cancer. Review status: no assertion criteria provided. Collection method: not provided. Allele origin: unknown.
ClinVar note: Converted during submission from cancer to other.